The following is an entry in ClinVar:

ClinVar aggregate classification (germline): Uncertain significance (1 of 4 stars; one submission).

Allele frequency attached by ClinVar (database versions not stated): gnomAD exomes below 0.00001; TOPMed below 0.00001; gnomAD 0.00001.

Submission:

Mayo Clinic Laboratories, Mayo Clinic
Classification: Uncertain significance. Last evaluated: 2023-03-22. Review status: criteria provided, single submitter. Criteria: ACMG Guidelines, 2015. Collection method: clinical testing. Allele origin: germline. Observed: 1 variant allele.
Comment: BP4, PM2_supporting

NM_080860.4(RSPH1):c.572T>C (p.Met191Thr)

Gene: RSPH1 (radial spoke head component 1; minus strand). Cytogenetic location: 21q22.3.
Variant type: single nucleotide variant.
Coding change: c.572T>C on transcript NM_080860.4 (MANE Select); coding-DNA position 572, T replaced by C.
Protein change: p.Met191Thr; replaces methionine 191 with threonine.
Molecular consequence: missense variant.
Genome position (GRCh38, 1-based): chr21:42,482,638, A>G on the plus strand (T>C on the coding strand, the complement: RSPH1 is on the minus strand). VCF-style: chr21-42482638-A-G. GRCh37 (hg19) VCF-style: chr21-43902748-A-G.
Other names: p.Met191Thr; c.458T>C, p.Met153Thr (NM_001286506.2); short protein forms M153T, M191T.
Identifiers: ClinVar variation 2683555 (VCV002683555.1), dbSNP rs914516787, ClinGen allele CA321553632.